The following is an entry in ClinVar:

ClinVar aggregate classification (germline): Pathogenic (1 of 4 stars; one submission).

Submission:

Labcorp Genetics (formerly Invitae), Labcorp
Classification: Pathogenic. Last evaluated: 2019-11-04. Review status: criteria provided, single submitter. Criteria: Invitae Variant Classification Sherloc (09022015). Collection method: clinical testing. Allele origin: germline.
Comment: This variant is a gross deletion of the genomic region encompassing exons 1-2 of the CHM gene, which includes the initiator codon. The 5' end of this event is unknown as it extends beyond the assayed region for this gene and therefore may encompass additional genes. The 3' boundary is likely confined to intron 2 of the CHM gene. This is expected to result in an absent or disrupted protein product. A similar copy number variant has been observed in individual(s) with choroideremia (PMID: 27070432). Loss-of-function variants in CHM are known to be pathogenic (PMID: 9067750, 23811034). For these reasons, this variant has been classified as Pathogenic.

Literature cited by the submitters: PubMed 27070432.

NC_000023.11:g.(?_86027491)_(86047532_?)del

Gene: CHM (CHM Rab escort protein; minus strand). Cytogenetic location: Xq21.2.
Variant type: Deletion.
Identifiers: ClinVar variation 830879 (VCV000830879.1).